The following is an entry in ClinVar:

NM_001184880.2(PCDH19):c.2521C>T (p.Arg841Cys)

Genes: PCDH19 (protocadherin 19; minus strand), LOC125467768 (CDK7 strongly-dependent group 2 enhancer GRCh37_chrX:99657381-99658580; plus strand). Cytogenetic location: Xq22.1.
Variant type: single nucleotide variant.
Coding change: c.2521C>T on transcript NM_001184880.2 (MANE Select); coding-DNA position 2521, C replaced by T.
Protein change: p.Arg841Cys; replaces arginine 841 with cysteine.
Molecular consequence: missense variant.
Genome position (GRCh38, 1-based): chrX:100,402,619, G>A on the plus strand (C>T on the coding strand, the complement: PCDH19 is on the minus strand). VCF-style: chrX-100402619-G-A. GRCh37 (hg19) VCF-style: chrX-99657617-G-A.
Other names: c.2380C>T, p.Arg794Cys (NM_001105243.2, NM_020766.3); short protein forms R794C, R841C.
Identifiers: ClinVar variation 1701068 (VCV001701068.5), dbSNP rs1928219474, ClinGen allele CA414005586.

ClinVar aggregate classification (germline): Uncertain significance. Review status: criteria provided, multiple submitters, no conflicts (2 of 4 stars). 3 submissions from 3 submitters: Uncertain significance (2). 1 of the submissions does not count toward it. Last evaluated 2023-10-08.

Conditions:
Abnormal cerebral morphology. Also called: Abnormality of the cerebrum. Identifiers: MedGen C4021762, HP:0002060.
Developmental and epileptic encephalopathy, 9 (DEE9). Also called: Early infantile epileptic encephalopathy 9; EPILEPSY, FEMALE-RESTRICTED, WITH MENTAL RETARDATION; PCDH19-Related X-Linked Female-Limited Epilepsy with Mental Retardation; JUBERG-HELLMAN SYNDROME. Identifiers: Orphanet 101039, Orphanet 2076, MedGen C1848137, MONDO:0010246, OMIM 300088. Disease mechanism: loss of function.

Allele frequency attached by ClinVar (database versions not stated): gnomAD 0.00001; gnomAD exomes 0.00001.
gnomAD v4.1: 9 of 1,209,420 alleles (0.00074%); highest among the groups gnomAD compares: Admixed American, 0.0066%; no homozygotes.

Submissions (3):

Labcorp Genetics (formerly Invitae), Labcorp
Classification: Uncertain significance for Developmental and epileptic encephalopathy, 9. Last evaluated: 2023-10-08. Review status: criteria provided, single submitter. Criteria: Invitae Variant Classification Sherloc (09022015). Collection method: clinical testing. Allele origin: germline.
Comment: This sequence change replaces arginine, which is basic and polar, with cysteine, which is neutral and slightly polar, at codon 841 of the PCDH19 protein (p.Arg841Cys). This variant is not present in population databases (gnomAD no frequency). This variant has not been reported in the literature in individuals affected with PCDH19-related conditions. ClinVar contains an entry for this variant (Variation ID: 1701068). Advanced modeling of protein sequence and biophysical properties (such as structural, functional, and spatial information, amino acid conservation, physicochemical variation, residue mobility, and thermodynamic stability) performed at Invitae indicates that this missense variant is not expected to disrupt PCDH19 protein function. In summary, the available evidence is currently insufficient to determine the role of this variant in disease. Therefore, it has been classified as a Variant of Uncertain Significance.

Blueprint Genetics
Classification: Uncertain significance. Last evaluated: 2020-04-06. Review status: criteria provided, single submitter. Criteria: ACMG Guidelines, 2015. Collection method: clinical testing. Allele origin: germline.

Diagnostic Laboratory, Strasbourg University Hospital
Classification: Uncertain significance for Abnormal cerebral morphology. Review status: no assertion criteria provided. Collection method: clinical testing. Allele origin: germline. Affected: yes. Observed: 1 heterozygote. Not counted in ClinVar's aggregate classification.